The following is an entry in ClinVar:

ClinVar aggregate classification (germline): Uncertain significance (1 of 4 stars; one submission).

Submission:

GeneDx
Classification: Uncertain significance. Last evaluated: 2024-11-26. Review status: criteria provided, single submitter. Criteria: GeneDx Variant Classification Process June 2021. Collection method: clinical testing. Allele origin: germline. Affected: yes.
Comment: Not observed at significant frequency in large population cohorts (gnomAD); In silico analysis supports that this missense variant has a deleterious effect on protein structure/function; Has not been previously published as pathogenic or benign to our knowledge

NM_001385012.1(NBEA):c.7997A>G (p.Gln2666Arg)

Gene: NBEA (neurobeachin; plus strand). Cytogenetic location: 13q13.3.
Variant type: single nucleotide variant.
Coding change: c.7997A>G on transcript NM_001385012.1 (MANE Select); coding-DNA position 7997, A replaced by G.
Protein change: p.Gln2666Arg; replaces glutamine 2666 with arginine.
Molecular consequence: missense variant.
Genome position (GRCh38, 1-based): chr13:35,651,838, A>G. VCF-style: chr13-35651838-A-G. GRCh37 (hg19) VCF-style: chr13-36225975-A-G.
Other names: c.1313A>G, p.Gln438Arg (NM_001204197.3); c.7988A>G, p.Gln2663Arg (NM_001379245.1); c.7934A>G, p.Gln2645Arg (NM_015678.5); short protein forms Q2645R, Q2663R, Q2666R, Q438R.
Identifiers: ClinVar variation 3900200 (VCV003900200.1).